The following is an entry in ClinVar:

NM_003801.4(GPAA1):c.902G>A (p.Arg301His)

Gene: GPAA1 (glycosylphosphatidylinositol anchor attachment 1; plus strand). Cytogenetic location: 8q24.3.
Variant type: single nucleotide variant.
Coding change: c.902G>A on transcript NM_003801.4 (MANE Select); coding-DNA position 902, G replaced by A.
Protein change: p.Arg301His; replaces arginine 301 with histidine.
Molecular consequence: missense variant.
Genome position (GRCh38, 1-based): chr8:144,084,501, G>A. VCF-style: chr8-144084501-G-A. GRCh37 (hg19) VCF-style: chr8-145139404-G-A.
Other names: short protein forms R301H.
Identifiers: ClinVar variation 1491181 (VCV001491181.5), dbSNP rs782374867, ClinGen allele CA4932967.

ClinVar aggregate classification (germline): Uncertain significance (1 of 4 stars; one submission).

Allele frequency attached by ClinVar (database versions not stated): ExAC 0.00001; gnomAD 0.00001 and 0.00002; gnomAD exomes 0.00001.
gnomAD v4.1: 19 of 1,613,168 alleles (0.0012%); highest among the groups gnomAD compares: South Asian, 0.0055%; no homozygotes.

Submission:

Labcorp Genetics (formerly Invitae), Labcorp
Classification: Uncertain significance. Last evaluated: 2022-10-03. Review status: criteria provided, single submitter. Criteria: Invitae Variant Classification Sherloc (09022015). Collection method: clinical testing. Allele origin: germline.
Comment: This sequence change replaces arginine, which is basic and polar, with histidine, which is basic and polar, at codon 301 of the GPAA1 protein (p.Arg301His). This variant is present in population databases (rs782374867, gnomAD 0.009%). This variant has not been reported in the literature in individuals affected with GPAA1-related conditions. ClinVar contains an entry for this variant (Variation ID: 1491181). Advanced modeling of protein sequence and biophysical properties (such as structural, functional, and spatial information, amino acid conservation, physicochemical variation, residue mobility, and thermodynamic stability) performed at Invitae indicates that this missense variant is not expected to disrupt GPAA1 protein function. In summary, the available evidence is currently insufficient to determine the role of this variant in disease. Therefore, it has been classified as a Variant of Uncertain Significance.